The following is an entry in ClinVar:

NM_004540.5(NCAM2):c.1049T>C (p.Leu350Pro)

Gene: NCAM2 (neural cell adhesion molecule 2; plus strand). Cytogenetic location: 21q21.1.
Variant type: single nucleotide variant.
Coding change: c.1049T>C on transcript NM_004540.5 (MANE Select); coding-DNA position 1049, T replaced by C.
Protein change: p.Leu350Pro; replaces leucine 350 with proline.
Molecular consequence: missense variant.
Genome position (GRCh38, 1-based): chr21:21,373,867, T>C. VCF-style: chr21-21373867-T-C. GRCh37 (hg19) VCF-style: chr21-22746187-T-C.
Other names: c.1049T>C, p.Leu350Pro (NM_001352591.2, NM_001352593.2, NM_001352594.2 and 1 more transcripts); c.1124T>C, p.Leu375Pro (NM_001352592.2, NM_001352597.2); c.623T>C, p.Leu208Pro (NM_001352595.2); short protein forms L208P, L350P, L375P.
Identifiers: ClinVar variation 3058984 (VCV003058984.2), dbSNP rs232518, ClinGen allele CA9985276.
Genomic context (GRCh38, chr21:21,373,867, plus strand): 5'-ACCATTTTGCACACACAAGCATAAAATCTTTCTTTTTCCTGAATCGATGTAAACAGAGCC[T>C]GGACGGCCGTATCGAAGTCAAAGGGCAGCATGGAAGCTCATCACTGCATATTAAAGATGT-3'
Protein context (NP_004531.2, residues 340-360): GFTFTEGDKS[Leu350Pro]DGRIEVKGQH

ClinVar aggregate classification (germline): Benign (0 of 4 stars; one submission).

Conditions:
NCAM2-related disorder. Also called: NCAM2-related condition.

Allele frequency attached by ClinVar (database versions not stated): ExAC 0.35002; ESP Exome Variant Server 0.35674; gnomAD 0.35740; gnomAD exomes 0.36004; TOPMed 0.36171; 1000 Genomes Project 30x 0.38538; 1000 Genomes Project 0.38978.
gnomAD v4.1: 577,348 of 1,603,520 alleles (36%); highest among the groups gnomAD compares: East Asian, 55%; 106,149 homozygotes.

Submission:

PreventionGenetics, part of Exact Sciences
Classification: Benign for NCAM2-related condition. Last evaluated: 2019-10-17. Review status: no assertion criteria provided. Collection method: clinical testing. Allele origin: germline.
Comment: This variant is classified as benign based on ACMG/AMP sequence variant interpretation guidelines (Richards et al. 2015 PMID: 25741868, with internal and published modifications).